The following is an entry in ClinVar:

NM_001130965.3(SUN1):c.938A>G (p.Asn313Ser)

Gene: SUN1 (Sad1 and UNC84 domain containing 1; plus strand). Cytogenetic location: 7p22.3.
Variant type: single nucleotide variant.
Coding change: c.938A>G on transcript NM_001130965.3 (MANE Select); coding-DNA position 938, A replaced by G.
Protein change: p.Asn313Ser; replaces asparagine 313 with serine.
Molecular consequence: missense variant. On other transcripts: non-coding transcript variant (3), intron variant (1).
Genome position (GRCh38, 1-based): chr7:852,837, A>G. VCF-style: chr7-852837-A-G. GRCh37 (hg19) VCF-style: chr7-892474-A-G.
Other names: c.587A>G, p.Asn196Ser (NM_001367635.1); c.1178A>G, p.Asn393Ser (NM_001367636.1, NM_001367691.1); c.1046A>G, p.Asn349Ser (NM_001367638.1); c.479A>G, p.Asn160Ser (NM_001367639.1); c.1118A>G, p.Asn373Ser (NM_001367640.1); c.1220A>G, p.Asn407Ser (NM_001367641.1, NM_001367682.1); c.923A>G, p.Asn308Ser (NM_001367642.1); c.1130A>G, p.Asn377Ser (NM_001367643.1); and 38 more; short protein forms N263S, N290S, N328S, N340S, N379S, N383S, N410S, N416S.
Identifiers: ClinVar variation 652577 (VCV000652577.8), dbSNP rs774636827, ClinGen allele CA4112017.

ClinVar aggregate classification (germline): Uncertain significance (1 of 4 stars; one submission).

Conditions:
Emery-Dreifuss muscular dystrophy (EDMD). Also called: Scapuloperoneal syndrome, X-linked (formerly); Humeroperoneal neuromuscular disease, (formerly). Identifiers: Orphanet 261, MedGen C0410189, MONDO:0016830.

Allele frequency attached by ClinVar (database versions not stated): TOPMed below 0.00001; gnomAD 0.00001; gnomAD exomes 0.00001; ExAC 0.00002.
gnomAD v4.1: 15 of 1,613,506 alleles (0.00093%); highest among the groups gnomAD compares: Middle Eastern, 0.016%; no homozygotes.

Submission:

Labcorp Genetics (formerly Invitae), Labcorp
Classification: Uncertain significance for Emery-Dreifuss muscular dystrophy. Last evaluated: 2025-01-06. Review status: criteria provided, single submitter. Criteria: Invitae Variant Classification Sherloc (09022015). Collection method: clinical testing. Allele origin: germline.
Comment: This sequence change replaces asparagine, which is neutral and polar, with serine, which is neutral and polar, at codon 313 of the SUN1 protein (p.Asn313Ser). This variant is present in population databases (rs774636827, gnomAD 0.003%). This variant has not been reported in the literature in individuals affected with SUN1-related conditions. ClinVar contains an entry for this variant (Variation ID: 652577). An algorithm developed to predict the effect of missense changes on protein structure and function outputs the following: PolyPhen-2: "Benign". The serine amino acid residue is found in multiple mammalian species, which suggests that this missense change does not adversely affect protein function. In summary, the available evidence is currently insufficient to determine the role of this variant in disease. Therefore, it has been classified as a Variant of Uncertain Significance.